The following is an entry in ClinVar:

NM_174936.4(PCSK9):c.1270A>G (p.Ile424Val)

Gene: PCSK9 (proprotein convertase subtilisin/kexin type 9; plus strand). Cytogenetic location: 1p32.3.
Variant type: single nucleotide variant.
Coding change: c.1270A>G on transcript NM_174936.4 (MANE Select); coding-DNA position 1270, A replaced by G.
Protein change: p.Ile424Val; replaces isoleucine 424 with valine.
Molecular consequence: missense variant.
Genome position (GRCh38, 1-based): chr1:55,058,125, A>G. VCF-style: chr1-55058125-A-G. GRCh37 (hg19) VCF-style: chr1-55523798-A-G.
Other names: c.1393A>G, p.Ile465Val (NM_001407240.1); c.1270A>G, p.Ile424Val (NM_001407241.1); c.1273A>G, p.Ile425Val (NM_001407242.1); c.1213A>G, p.Ile405Val (NM_001407243.1); c.1078A>G, p.Ile360Val (NM_001407245.1); c.895A>G, p.Ile299Val (NM_001407246.1); short protein forms I424V, I405V, I425V, I299V, I360V, I465V.
Identifiers: ClinVar variation 630597 (VCV000630597.17), dbSNP rs759250273, ClinGen allele CA036186.

ClinVar aggregate classification (germline): Benign/Likely benign. Review status: criteria provided, multiple submitters, no conflicts (2 of 4 stars). 5 submissions from 4 submitters: Benign (1); Likely benign (4). Last evaluated 2026-01-28.

Conditions:
Hypobetalipoproteinemia. Identifiers: Orphanet 31154, MedGen C0020597, MONDO:0017774.
Hypercholesterolemia, autosomal dominant, 3 (FHCL3). Also called: Familial Hypercholesterolemia, Autosomal Dominant, 3; PCSK9-Related Familial Hypercholesterolemia, Autosomal Dominant; Familial hypercholesterolemia 3. Identifiers: MedGen C1863551, MONDO:0011369, OMIM 603776.
Cardiovascular phenotype. Identifiers: MedGen CN230736.
Familial hypercholesterolemia. Also called: Familial hypercholesterolemias; Familial hypercholesterolaemia. Identifiers: MedGen C0020445, MONDO:0005439.

Allele frequency attached by ClinVar (database versions not stated): TOPMed 0.00001; gnomAD 0.00002; gnomAD exomes 0.00006; ExAC 0.00009.
gnomAD v4.1: 183 of 1,613,568 alleles (0.011%); highest among the groups gnomAD compares: East Asian, 0.41%; 3 homozygotes.

Submissions (5):

Labcorp Genetics (formerly Invitae), Labcorp
Classification: Likely benign for Hypercholesterolemia, autosomal dominant, 3. Last evaluated: 2026-01-28. Review status: criteria provided, single submitter. Criteria: Invitae Variant Classification Sherloc (09022015). Collection method: clinical testing. Allele origin: germline.

Ambry Genetics
Classification: Likely benign for Cardiovascular phenotype. Last evaluated: 2023-11-03. Review status: criteria provided, single submitter. Criteria: Ambry Variant Classification Scheme 2023. Collection method: clinical testing. Allele origin: germline.

Color Diagnostics, LLC DBA Color Health
Classification: Likely benign for Familial hypercholesterolemia. Last evaluated: 2019-10-16. Review status: criteria provided, single submitter. Criteria: ACMG Guidelines, 2015. Collection method: clinical testing. Allele origin: germline.

Illumina Laboratory Services, Illumina
Classification: Likely benign for Hypobetalipoproteinemia. Last evaluated: 2017-07-10. Review status: criteria provided, single submitter. Criteria: ICSL Variant Classification Criteria 13 December 2019. Collection method: clinical testing. Allele origin: germline.
Comment: This variant was observed as part of a predisposition screen in an ostensibly healthy population. A literature search was performed for the gene, cDNA change, and amino acid change (where applicable). Publications were found based on this search. The evidence from the literature, in combination with allele frequency data from public databases where available, was sufficient to determine this variant is unlikely to cause disease. Therefore, this variant is classified as likely benign.

Illumina Laboratory Services, Illumina
Classification: Benign for Hypercholesterolemia, autosomal dominant, 3. Last evaluated: 2017-07-10. Review status: criteria provided, single submitter. Criteria: ICSL Variant Classification Criteria 13 December 2019. Collection method: clinical testing. Allele origin: germline.
Comment: This variant was observed as part of a predisposition screen in an ostensibly healthy population. A literature search was performed for the gene, cDNA change, and amino acid change (where applicable). Publications were found based on this search. The evidence from the literature, in combination with allele frequency data from public databases where available, was sufficient to rule this variant out of causing disease. Therefore, this variant is classified as benign.

Literature cited by the submitters: PubMed 17316651 (cited by Ambry Genetics and Illumina Laboratory Services, Illumina); PubMed 27206942 (cited by Ambry Genetics and Illumina Laboratory Services, Illumina); PubMed 19191301 (cited by Illumina Laboratory Services, Illumina); PubMed 14727156 (cited by Illumina Laboratory Services, Illumina).